The following is an entry in ClinVar:

NM_000489.6(ATRX):c.3572C>T (p.Thr1191Ile)

Gene: ATRX (ATRX chromatin remodeler; minus strand). Cytogenetic location: Xq21.1.
Variant type: single nucleotide variant.
Coding change: c.3572C>T on transcript NM_000489.6 (MANE Select); coding-DNA position 3572, C replaced by T.
Protein change: p.Thr1191Ile; replaces threonine 1191 with isoleucine.
Molecular consequence: missense variant.
Genome position (GRCh38, 1-based): chrX:77,681,684, G>A on the plus strand (C>T on the coding strand, the complement: ATRX is on the minus strand). VCF-style: chrX-77681684-G-A. GRCh37 (hg19) VCF-style: chrX-76937176-G-A.
Other names: c.3458C>T, p.Thr1153Ile (NM_138270.5); short protein forms T1191I, T1153I.
Identifiers: ClinVar variation 1404855 (VCV001404855.8), dbSNP rs2148569833, ClinGen allele CA413706189.
Genomic context (GRCh38, chrX:77,681,684, plus strand): 5'-TCATCTTCTATATCAGAAGAAGATGAGGATGTAATGTCAGCTTGCTTCCTTTTAGTGCTT[G>A]TTCTTAGGGAGTTTCTCTTTTTCTCCTTGACAATGACTGCCTTCTTTTTAGATGAAGTTC-3'
Protein context (NP_000480.3, residues 1181-1201): VKEKKRNSLR[Thr1191Ile]STKRKQADIT

ClinVar aggregate classification (germline): Uncertain significance (1 of 4 stars; one submission).

Conditions:
Alpha thalassemia-X-linked intellectual disability syndrome (ATRX). Also called: ATR-X syndrome; Alpha thalassemia mental retardation syndrome, nondeletion type, X-linked; XLMR hypotonic face syndrome; X-linked alpha-thalassemia-mental retardation syndrome; ALPHA-THALASSEMIA/IMPAIRED INTELLECTUAL DEVELOPMENT SYNDROME, X-LINKED; ALPHA-THALASSEMIA/MENTAL RETARDATION SYNDROME, X-LINKED. Identifiers: Orphanet 847, MedGen C1845055, MONDO:0010519, OMIM 301040.

gnomAD v4.1: 3 of 1,208,471 alleles (0.00025%); highest among the groups gnomAD compares: Non-Finnish European, 0.00022%; no homozygotes.

Submission:

Labcorp Genetics (formerly Invitae), Labcorp
Classification: Uncertain significance for Alpha thalassemia-X-linked intellectual disability syndrome. Last evaluated: 2025-09-21. Review status: criteria provided, single submitter. Criteria: Invitae Variant Classification Sherloc (09022015). Collection method: clinical testing. Allele origin: germline.
Comment: This sequence change replaces threonine, which is neutral and polar, with isoleucine, which is neutral and non-polar, at codon 1191 of the ATRX protein (p.Thr1191Ile). This variant is not present in population databases (gnomAD no frequency). This variant has not been reported in the literature in individuals affected with ATRX-related conditions. ClinVar contains an entry for this variant (Variation ID: 1404855). Invitae Evidence Modeling of protein sequence and biophysical properties (such as structural, functional, and spatial information, amino acid conservation, physicochemical variation, residue mobility, and thermodynamic stability) indicates that this missense variant is not expected to disrupt ATRX protein function with a negative predictive value of 95%. In summary, the available evidence is currently insufficient to determine the role of this variant in disease. Therefore, it has been classified as a Variant of Uncertain Significance.